The following is an entry in ClinVar:

ClinVar aggregate classification (germline): Uncertain significance (1 of 4 stars; one submission).

Conditions:
Hereditary cancer-predisposing syndrome. Also called: Neoplastic Syndromes, Hereditary; Tumor predisposition; Hereditary Cancer Syndrome; Hereditary neoplastic syndrome. Identifiers: Orphanet 140162, MedGen C0027672, MeSH D009386, MONDO:0015356.

Submission:

Ambry Genetics
Classification: Uncertain significance for Hereditary cancer-predisposing syndrome. Last evaluated: 2018-07-09. Review status: criteria provided, single submitter. Criteria: Ambry Variant Classification Scheme 2023. Collection method: clinical testing. Allele origin: germline.
Comment: The p.P657L variant (also known as c.1970C>T), located in coding exon 17 of the MRE11A gene, results from a C to T substitution at nucleotide position 1970. The proline at codon 657 is replaced by leucine, an amino acid with similar properties. This amino acid position is highly conserved in available vertebrate species. In addition, this alteration is predicted to be tolerated by in silico analysis. Since supporting evidence is limited at this time, the clinical significance of this alteration remains unclear.

NM_005591.4(MRE11):c.1970C>T (p.Pro657Leu)

Gene: MRE11 (MRE11 double strand break repair nuclease; minus strand). Cytogenetic location: 11q21.
Variant type: single nucleotide variant.
Coding change: c.1970C>T on transcript NM_005591.4 (MANE Select); coding-DNA position 1970, C replaced by T.
Protein change: p.Pro657Leu; replaces proline 657 with leucine.
Molecular consequence: missense variant.
Genome position (GRCh38, 1-based): chr11:94,435,856, G>A on the plus strand (C>T on the coding strand, the complement: MRE11 is on the minus strand). VCF-style: chr11-94435856-G-A. GRCh37 (hg19) VCF-style: chr11-94169022-G-A.
Other names: c.1967C>T, p.Pro656Leu (NM_001330347.2); c.1886C>T, p.Pro629Leu (NM_005590.4); short protein forms P657L, P656L, P629L.
Identifiers: ClinVar variation 820442 (VCV000820442.4), dbSNP rs1591640893, ClinGen allele CA382374063.